The following is an entry in ClinVar:

ClinVar aggregate classification (germline): Uncertain significance. Review status: criteria provided, multiple submitters, no conflicts (2 of 4 stars). 2 submissions from 2 submitters: Uncertain significance (2). Last evaluated 2026-01-11.

Conditions:
Spermatogenic failure 18. Identifiers: MedGen C4539783, MONDO:0054615, OMIM 617576.
Ciliary dyskinesia, primary, 37 (CILD37). Also called: CILIARY DYSKINESIA, PRIMARY, 37, WITH OR WITHOUT SITUS INVERSUS. Identifiers: MedGen C4539798, MONDO:0033204, OMIM 617577.

Allele frequency attached by ClinVar (database versions not stated): ExAC 0.00004; gnomAD 0.00006; ESP Exome Variant Server 0.00016; TOPMed 0.00018; 1000 Genomes Project 0.00020; 1000 Genomes Project 30x 0.00031.
gnomAD v4.1: 202 of 1,613,264 alleles (0.013%); highest among the groups gnomAD compares: East Asian, 0.016%; no homozygotes.

Submissions (2):

Labcorp Genetics (formerly Invitae), Labcorp
Classification: Uncertain significance for Ciliary dyskinesia, primary, 37; Spermatogenic failure 18. Last evaluated: 2026-01-11. Review status: criteria provided, single submitter. Criteria: Invitae Variant Classification Sherloc (09022015). Collection method: clinical testing. Allele origin: germline.
Comment: This sequence change replaces tyrosine, which is neutral and polar, with cysteine, which is neutral and slightly polar, at codon 855 of the DNAH1 protein (p.Tyr855Cys). This variant is present in population databases (rs182519456, gnomAD 0.02%). This variant has not been reported in the literature in individuals affected with DNAH1-related conditions. ClinVar contains an entry for this variant (Variation ID: 656625). Invitae Evidence Modeling of protein sequence and biophysical properties (such as structural, functional, and spatial information, amino acid conservation, physicochemical variation, residue mobility, and thermodynamic stability) has been performed for this missense variant. However, the output from this modeling did not meet the statistical confidence thresholds required to predict the impact of this variant on DNAH1 protein function. In summary, the available evidence is currently insufficient to determine the role of this variant in disease. Therefore, it has been classified as a Variant of Uncertain Significance.

Blueprint Genetics
Classification: Uncertain significance. Last evaluated: 2024-08-14. Review status: criteria provided, single submitter. Criteria: ACMG Guidelines, 2015. Collection method: clinical testing. Allele origin: germline.

NM_015512.5(DNAH1):c.2564A>G (p.Tyr855Cys)

Gene: DNAH1 (dynein axonemal heavy chain 1; plus strand). Cytogenetic location: 3p21.1.
Variant type: single nucleotide variant.
Coding change: c.2564A>G on transcript NM_015512.5 (MANE Select); coding-DNA position 2564, A replaced by G.
Protein change: p.Tyr855Cys; replaces tyrosine 855 with cysteine.
Molecular consequence: missense variant.
Genome position (GRCh38, 1-based): chr3:52,350,026, A>G. VCF-style: chr3-52350026-A-G. GRCh37 (hg19) VCF-style: chr3-52384042-A-G.
Other names: short protein forms Y855C.
Identifiers: ClinVar variation 656625 (VCV000656625.8), dbSNP rs182519456, ClinGen allele CA2433302.